The following is an entry in ClinVar:

ClinVar aggregate classification (germline): Uncertain significance (1 of 4 stars; one submission).

Conditions:
Intellectual developmental disorder, autosomal dominant 67 (MRD67). Also called: MENTAL RETARDATION, AUTOSOMAL DOMINANT 67. Identifiers: MedGen C5677006, MONDO:0030964, OMIM 619927.

Submission:

Victorian Clinical Genetics Services, Murdoch Childrens Research Institute
Classification: Uncertain significance for Intellectual developmental disorder, autosomal dominant 67. Last evaluated: 2025-10-29. Review status: criteria provided, single submitter. Criteria: ACMG Guidelines, 2015. Collection method: clinical testing. Allele origin: germline. Affected: yes.
Comment: This variant is classified as VUS-3B. Evidence in support of pathogenic classification: Variant is absent from gnomAD (v2, v3 and v4). Additional information: Variant is predicted to result in a missense amino acid change from Met to Thr; This variant is heterozygous; This gene is associated with autosomal dominant disease (OMIM). However, there is a single report of recessive disease (PMID: 35675825), therefore the association with biallelic disease is limited by ClinGen; This variant has no previous evidence of pathogenicity; No published evidence of segregation with disease has been identified for this variant; No published functional evidence has been identified for this variant; No comparable missense variants have previous evidence for pathogenicity; Variant is located in the annotated ligand-gated ion channel domain (DECIPHER); Missense variant with inconclusive in silico prediction and/or uninformative conservation; Loss of function and gain of function are known mechanisms of disease in this gene and are associated with intellectual developmental disorder 67 (MIM#619927). Gain of function has been shown for the recurrent p.(Ala636Thr) variant, and loss of function for other missense variants (PMIDs: 38890806, 41018689). However, dominant negative has not been excluded as a disease mechanism (PMID: 28628100, PMID: 35675825); Variants in this gene are known to have variable expressivity. Variable severity and symptoms have been reported in patients (PMID: 38890806).

Literature cited by the submitters: PubMed 38890806; PubMed 28628100; PubMed 35675825; PubMed 41018689.

NM_000827.4(GRIA1):c.1796T>C (p.Met599Thr)

Gene: GRIA1 (glutamate ionotropic receptor AMPA type subunit 1; plus strand). Cytogenetic location: 5q33.2.
Variant type: single nucleotide variant.
Coding change: c.1796T>C on transcript NM_000827.4 (MANE Select); coding-DNA position 1796, T replaced by C.
Protein change: p.Met599Thr; replaces methionine 599 with threonine.
Molecular consequence: missense variant. On other transcripts: non-coding transcript variant (2).
Genome position (GRCh38, 1-based): chr5:153,706,040, T>C. VCF-style: chr5-153706040-T-C. GRCh37 (hg19) VCF-style: chr5-153085600-T-C.
Other names: c.1796T>C, p.Met599Thr (NM_001114183.2); c.1556T>C, p.Met519Thr (NM_001258019.2); c.1511T>C, p.Met504Thr (NM_001258020.2); c.1826T>C, p.Met609Thr (NM_001258021.2, NM_001258022.2); c.1589T>C, p.Met530Thr (NM_001258023.1, NM_001364167.2); c.1628T>C, p.Met543Thr (NM_001364165.2); c.1823T>C, p.Met608Thr (NM_001364166.2); short protein forms M504T, M519T, M530T, M543T, M599T, M608T, M609T.
Identifiers: ClinVar variation 4531978 (VCV004531978.1).